The following is an entry in ClinVar:

ClinVar aggregate classification (germline): Uncertain significance. Review status: criteria provided, multiple submitters, no conflicts (2 of 4 stars). 3 submissions from 3 submitters: Uncertain significance (3). Last evaluated 2023-08-17.

Conditions:
Inborn genetic diseases. Identifiers: MedGen C0950123, MeSH D030342.

Allele frequency attached by ClinVar (database versions not stated): gnomAD 0.00001 and 0.00003; TOPMed 0.00003; gnomAD exomes 0.00004 and 0.00006; ExAC 0.00010.
gnomAD v4.1: 63 of 1,611,726 alleles (0.0039%); highest among the groups gnomAD compares: Admixed American, 0.0067%; no homozygotes.

Submissions (3):

Labcorp Genetics (formerly Invitae), Labcorp
Classification: Uncertain significance. Last evaluated: 2023-08-17. Review status: criteria provided, single submitter. Criteria: Invitae Variant Classification Sherloc (09022015). Collection method: clinical testing. Allele origin: germline.
Comment: Advanced modeling of protein sequence and biophysical properties (such as structural, functional, and spatial information, amino acid conservation, physicochemical variation, residue mobility, and thermodynamic stability) performed at Invitae indicates that this missense variant is not expected to disrupt P3H2 protein function. ClinVar contains an entry for this variant (Variation ID: 1479619). In summary, the available evidence is currently insufficient to determine the role of this variant in disease. Therefore, it has been classified as a Variant of Uncertain Significance. This variant has not been reported in the literature in individuals affected with P3H2-related conditions. This variant is present in population databases (rs201676771, gnomAD 0.01%). This sequence change replaces asparagine, which is neutral and polar, with serine, which is neutral and polar, at codon 573 of the P3H2 protein (p.Asn573Ser).

Ambry Genetics
Classification: Uncertain significance for Inborn genetic diseases. Last evaluated: 2022-08-17. Review status: criteria provided, single submitter. Criteria: Ambry Variant Classification Scheme 2023. Collection method: clinical testing. Allele origin: germline.

Blueprint Genetics
Classification: Uncertain significance. Last evaluated: 2021-06-11. Review status: criteria provided, single submitter. Criteria: ACMG Guidelines, 2015. Collection method: clinical testing. Allele origin: germline.

NM_018192.4(P3H2):c.1718A>G (p.Asn573Ser)

Gene: P3H2 (prolyl 3-hydroxylase 2; minus strand). Cytogenetic location: 3q28.
Variant type: single nucleotide variant.
Coding change: c.1718A>G on transcript NM_018192.4 (MANE Select); coding-DNA position 1718, A replaced by G.
Protein change: p.Asn573Ser; replaces asparagine 573 with serine.
Molecular consequence: missense variant.
Genome position (GRCh38, 1-based): chr3:189,971,989, T>C on the plus strand (A>G on the coding strand, the complement: P3H2 is on the minus strand). VCF-style: chr3-189971989-T-C. GRCh37 (hg19) VCF-style: chr3-189689778-T-C.
Other names: c.1175A>G, p.Asn392Ser (NM_001134418.2); c.1718A>G (NM_018192.3); short protein forms N392S, N573S.
Identifiers: ClinVar variation 1479619 (VCV001479619.8), dbSNP rs201676771, ClinGen allele CA2752796.